The following is an entry in ClinVar:

ClinVar aggregate classification (germline): Uncertain significance (1 of 4 stars; one submission).

Submission:

GeneDx
Classification: Uncertain significance. Last evaluated: 2023-04-05. Review status: criteria provided, single submitter. Criteria: GeneDx Variant Classification Process June 2021. Collection method: clinical testing. Allele origin: germline. Affected: yes.
Comment: Not observed at significant frequency in large population cohorts (gnomAD); In silico analysis supports that this missense variant has a deleterious effect on protein structure/function; Has not been previously published as pathogenic or benign to our knowledge

NM_012310.5(KIF4A):c.1727A>T (p.Glu576Val)

Gene: KIF4A (kinesin family member 4A; plus strand). Cytogenetic location: Xq13.1.
Variant type: single nucleotide variant.
Coding change: c.1727A>T on transcript NM_012310.5 (MANE Select); coding-DNA position 1727, A replaced by T.
Protein change: p.Glu576Val; replaces glutamic acid 576 with valine.
Molecular consequence: missense variant.
Genome position (GRCh38, 1-based): chrX:70,374,203, A>T. VCF-style: chrX-70374203-A-T. GRCh37 (hg19) VCF-style: chrX-69594053-A-T.
Other names: short protein forms E576V.
Identifiers: ClinVar variation 2662421 (VCV002662421.1), dbSNP rs2519677938, ClinGen allele CA413479255.